The following is an entry in ClinVar:

ClinVar aggregate classification (germline): Uncertain significance (1 of 4 stars; one submission).

Conditions:
Alagille syndrome due to a JAG1 point mutation. Also called: JAG1-Related Alagille Syndrome; HEPATIC DUCTULAR HYPOPLASIA, SYNDROMATIC; Alagille Syndrome 1. Identifiers: Orphanet 261619, Orphanet 52, MedGen C1956125, MONDO:0016862, OMIM 118450.

Submission:

Labcorp Genetics (formerly Invitae), Labcorp
Classification: Uncertain significance for Alagille syndrome due to a JAG1 point mutation. Last evaluated: 2024-12-04. Review status: criteria provided, single submitter. Criteria: Invitae Variant Classification Sherloc (09022015). Collection method: clinical testing. Allele origin: germline.
Comment: This sequence change replaces phenylalanine, which is neutral and non-polar, with valine, which is neutral and non-polar, at codon 126 of the JAG1 protein (p.Phe126Val). This variant is not present in population databases (gnomAD no frequency). This variant has not been reported in the literature in individuals affected with JAG1-related conditions. Invitae Evidence Modeling of protein sequence and biophysical properties (such as structural, functional, and spatial information, amino acid conservation, physicochemical variation, residue mobility, and thermodynamic stability) indicates that this missense variant is expected to disrupt JAG1 protein function with a positive predictive value of 95%. In summary, the available evidence is currently insufficient to determine the role of this variant in disease. Therefore, it has been classified as a Variant of Uncertain Significance.

NM_000214.3(JAG1):c.376T>G (p.Phe126Val)

Gene: JAG1 (jagged canonical Notch ligand 1; minus strand). Cytogenetic location: 20p12.2.
Variant type: single nucleotide variant.
Coding change: c.376T>G on transcript NM_000214.3 (MANE Select); coding-DNA position 376, T replaced by G.
Protein change: p.Phe126Val; replaces phenylalanine 126 with valine.
Molecular consequence: missense variant.
Genome position (GRCh38, 1-based): chr20:10,672,712, A>C on the plus strand (T>G on the coding strand, the complement: JAG1 is on the minus strand). VCF-style: chr20-10672712-A-C. GRCh37 (hg19) VCF-style: chr20-10653360-A-C.
Other names: short protein forms F126V.
Identifiers: ClinVar variation 3719750 (VCV003719750.2).